The following is an entry in ClinVar:

NM_002617.4(PEX10):c.566A>G (p.Tyr189Cys)

Gene: PEX10 (peroxisomal biogenesis factor 10; minus strand). Cytogenetic location: 1p36.32.
Variant type: single nucleotide variant.
Coding change: c.566A>G on transcript NM_002617.4 (MANE Select); coding-DNA position 566, A replaced by G.
Protein change: p.Tyr189Cys; replaces tyrosine 189 with cysteine.
Molecular consequence: missense variant. On other transcripts: non-coding transcript variant (1).
Genome position (GRCh38, 1-based): chr1:2,408,486, T>C on the plus strand (A>G on the coding strand, the complement: PEX10 is on the minus strand). VCF-style: chr1-2408486-T-C. GRCh37 (hg19) VCF-style: chr1-2339925-T-C.
Other names: c.566A>G, p.Tyr189Cys (NM_001374425.1, NM_153818.2); c.134A>G, p.Tyr45Cys (NM_001374426.1, NM_001374427.1); short protein forms Y189C, Y45C.
Identifiers: ClinVar variation 998905 (VCV000998905.5), dbSNP rs1278563588, ClinGen allele CA337987015.

ClinVar aggregate classification (germline): Uncertain significance (1 of 4 stars; one submission).

Conditions:
Peroxisome biogenesis disorder, complementation group 7 (CG7). Also called: Peroxisome biogenesis disorder, complementation group B. Identifiers: MedGen C1864399.

Allele frequency attached by ClinVar (database versions not stated): gnomAD exomes below 0.00001.
gnomAD v4.1: 1 of 1,612,948 alleles (0.000062%); highest among the groups gnomAD compares: South Asian, 0.0011%; no homozygotes.

Submission:

Labcorp Genetics (formerly Invitae), Labcorp
Classification: Uncertain significance for Peroxisome biogenesis disorder, complementation group 7. Last evaluated: 2022-06-03. Review status: criteria provided, single submitter. Criteria: Invitae Variant Classification Sherloc (09022015). Collection method: clinical testing. Allele origin: germline.
Comment: This sequence change replaces tyrosine, which is neutral and polar, with cysteine, which is neutral and slightly polar, at codon 189 of the PEX10 protein (p.Tyr189Cys). This variant is present in population databases (no rsID available, gnomAD 0.003%). This variant has not been reported in the literature in individuals affected with PEX10-related conditions. ClinVar contains an entry for this variant (Variation ID: 998905). Algorithms developed to predict the effect of missense changes on protein structure and function (SIFT, PolyPhen-2, Align-GVGD) all suggest that this variant is likely to be disruptive. In summary, the available evidence is currently insufficient to determine the role of this variant in disease. Therefore, it has been classified as a Variant of Uncertain Significance.